The following is an entry in ClinVar:

NM_000051.4(ATM):c.4888G>A (p.Asp1630Asn)

Gene: ATM (ATM serine/threonine kinase; plus strand). Cytogenetic location: 11q22.3.
Variant type: single nucleotide variant.
Coding change: c.4888G>A on transcript NM_000051.4 (MANE Select); coding-DNA position 4888, G replaced by A.
Protein change: p.Asp1630Asn; replaces aspartic acid 1630 with asparagine.
Molecular consequence: missense variant.
Genome position (GRCh38, 1-based): chr11:108,295,038, G>A. VCF-style: chr11-108295038-G-A. GRCh37 (hg19) VCF-style: chr11-108165765-G-A.
Other names: c.4888G>A, p.Asp1630Asn (NM_001351834.2); short protein forms D1630N.
Identifiers: ClinVar variation 482715 (VCV000482715.10), dbSNP rs1555101921, ClinGen allele CA382537200.

ClinVar aggregate classification (germline): Conflicting classifications of pathogenicity. Review status: criteria provided, conflicting classifications (1 of 4 stars). 3 submissions from 3 submitters: Likely pathogenic (2); Uncertain significance (1). Last evaluated 2024-05-29.

Conditions:
Hereditary cancer-predisposing syndrome. Also called: Neoplastic Syndromes, Hereditary; Tumor predisposition; Hereditary Cancer Syndrome; Hereditary neoplastic syndrome. Identifiers: Orphanet 140162, MedGen C0027672, MeSH D009386, MONDO:0015356.
Familial cancer of breast. Also called: BREAST CANCER, FAMILIAL; Hereditary breast cancer; hereditary breast carcinoma. Identifiers: Orphanet 227535, MedGen C0346153, MONDO:0016419, OMIM 114480. Disease mechanism: loss of function.

Allele frequency attached by ClinVar (database versions not stated): gnomAD exomes below 0.00001.
gnomAD v4.1: 1 of 1,613,916 alleles (0.000062%); highest among the groups gnomAD compares: African/African-American, 0.0013%; no homozygotes.

Submissions (3):

Color Diagnostics, LLC DBA Color Health
Classification: Uncertain significance for Hereditary cancer-predisposing syndrome. Last evaluated: 2024-05-29. Review status: criteria provided, single submitter. Criteria: ACMG Guidelines, 2015. Collection method: clinical testing. Allele origin: germline.
Comment: This missense variant replaces aspartic acid with asparagine at codon 1630 of the ATM protein. Splice site prediction tools suggest that this variant may not impact RNA splicing. This variant has been reported to impact RNA splicing by external laboratories, however, detailed data are not available for review (ClinVar SCV000668103.4, SCV004932165.1). Computational prediction suggests that this variant may not impact protein structure and function. To our knowledge, functional studies have not been reported for this variant. This variant has not been reported in individuals affected with ATM-related disorders in the literature. This variant has not been identified in the general population by the Genome Aggregation Database (gnomAD). The available evidence is insufficient to determine the role of this variant in disease conclusively. Therefore, this variant is classified as a Variant of Uncertain Significance.

Myriad Genetics, Inc.
Classification: Likely pathogenic for Familial cancer of breast. Last evaluated: 2024-03-14. Review status: criteria provided, single submitter. Criteria: Myriad Autosomal Dominant, Autosomal Recessive and X-Linked Classification Criteria (2023). Collection method: clinical testing. Allele origin: unknown.
Comment: This variant is considered likely pathogenic. mRNA analysis has demonstrated abnormal mRNA splicing occurs [Myriad internal data].

Ambry Genetics
Classification: Likely pathogenic for Hereditary cancer-predisposing syndrome. Last evaluated: 2022-01-28. Review status: criteria provided, single submitter. Criteria: Ambry Variant Classification Scheme 2023. Collection method: clinical testing. Allele origin: germline.
Comment: The c.4888G>A variant (also known as p.D1630N), located in coding exon 31 of the ATM gene, results from a G to A substitution at nucleotide position 4888. The aspartic acid at codon 1630 is replaced by asparagine, an amino acid with highly similar properties. This nucleotide position is well conserved in available vertebrate species. In silico splice site analysis predicts that this alteration will result in the creation or strengthening of a novel splice donor site. RNA studies have demonstrated that this alteration results in abnormal splicing in the set of samples tested (Ambry internal data). This variant is considered to be rare based on population cohorts in the Genome Aggregation Database (gnomAD). Based on the majority of available evidence to date, this variant is likely to be pathogenic.